The following is an entry in ClinVar:

ClinVar aggregate classification (germline): Pathogenic (1 of 4 stars; one submission).

Conditions:
Hereditary cancer-predisposing syndrome. Also called: Neoplastic Syndromes, Hereditary; Tumor predisposition; Hereditary neoplastic syndrome; Hereditary Cancer Syndrome. Identifiers: Orphanet 140162, MedGen C0027672, MeSH D009386, MONDO:0015356.

Allele frequency attached by ClinVar (database versions not stated): gnomAD exomes below 0.00001.
gnomAD v4.1: 2 of 1,612,904 alleles (0.00012%); highest among the groups gnomAD compares: Non-Finnish European, 0.00017%; no homozygotes.

Submission:

Labcorp Genetics (formerly Invitae), Labcorp
Classification: Pathogenic for Hereditary cancer-predisposing syndrome. Last evaluated: 2023-05-14. Review status: criteria provided, single submitter. Criteria: Invitae Variant Classification Sherloc (09022015). Collection method: clinical testing. Allele origin: germline.
Comment: For these reasons, this variant has been classified as Pathogenic. This variant has not been reported in the literature in individuals affected with RAD50-related conditions. This variant is not present in population databases (gnomAD no frequency). This sequence change creates a premature translational stop signal (p.Ser584*) in the RAD50 gene. It is expected to result in an absent or disrupted protein product. Loss-of-function variants in RAD50 are known to be pathogenic (PMID: 19409520).

Literature cited by the submitters: PubMed 19409520.

NM_005732.4(RAD50):c.1751C>G (p.Ser584Ter)

Gene: RAD50 (RAD50 double strand break repair protein; plus strand). Cytogenetic location: 5q31.1.
Variant type: single nucleotide variant.
Coding change: c.1751C>G on transcript NM_005732.4 (MANE Select); coding-DNA position 1751, C replaced by G.
Protein change: p.Ser584Ter; replaces serine 584 with a stop codon.
Molecular consequence: nonsense.
Genome position (GRCh38, 1-based): chr5:132,591,992, C>G. VCF-style: chr5-132591992-C-G. GRCh37 (hg19) VCF-style: chr5-131927684-C-G.
Other names: short protein forms S584*.
Identifiers: ClinVar variation 2715859 (VCV002715859.3), dbSNP rs1750710114, ClinGen allele CA360946640.